The following is an entry in ClinVar:

NM_130384.3(ATRIP):c.1190A>C (p.Asp397Ala)

Genes: ATRIP (ATR interacting protein; plus strand), ATRIP-TREX1 (ATRIP-TREX1 readthrough; plus strand). Cytogenetic location: 3p21.31.
Variant type: single nucleotide variant.
Coding change: c.1190A>C on transcript NM_130384.3 (MANE Select); coding-DNA position 1190, A replaced by C.
Protein change: p.Asp397Ala; replaces aspartic acid 397 with alanine.
Molecular consequence: missense variant. On other transcripts: non-coding transcript variant (1).
Genome position (GRCh38, 1-based): chr3:48,460,244, A>C. VCF-style: chr3-48460244-A-C. GRCh37 (hg19) VCF-style: chr3-48501643-A-C.
Other names: c.809A>C, p.Asp270Ala (NM_001271022.2); c.911A>C, p.Asp304Ala (NM_001271023.2); c.1190A>C, p.Asp397Ala (NM_032166.4); short protein forms D270A, D304A, D397A.
Identifiers: ClinVar variation 4644582 (VCV004644582.1).
Genomic context (GRCh38, chr3:48,460,244, plus strand): 5'-AAGCACAGAACCTGGCATTCACTGGACTGAATCTGGTTGCCCGGAATGAGTGCTCACGTG[A>C]TGGAGACCCAGCAGAGGGAGGCAGAAGGGCCTTCCCACTCTGCCAGCTTCCTGGAGCCGT-3'
Protein context (NP_569055.1, residues 387-407): NLVARNECSR[Asp397Ala]GDPAEGGRRA

ClinVar aggregate classification (germline): Uncertain significance (1 of 4 stars; one submission).

Submission:

Ambry Genetics
Classification: Uncertain significance. Last evaluated: 2025-11-09. Review status: criteria provided, single submitter. Criteria: Ambry Variant Classification Scheme 2023. Collection method: clinical testing. Allele origin: germline.
Comment: The p.D397A variant (also known as c.1190A>C), located in coding exon 8 of the ATRIP gene, results from an A to C substitution at nucleotide position 1190. The aspartic acid at codon 397 is replaced by alanine, an amino acid with dissimilar properties. This amino acid position is conserved. In addition, this alteration is predicted to be tolerated by in silico analysis. Based on the available evidence, the clinical significance of this variant remains unclear.